The following is an entry in ClinVar:

NM_020780.2(DISP3):c.2583G>A (p.Ser861=)

Gene: DISP3 (dispatched RND transporter family member 3; plus strand). Cytogenetic location: 1p36.22.
Variant type: single nucleotide variant.
Coding change: c.2583G>A on transcript NM_020780.2 (MANE Select); coding-DNA position 2583, G replaced by A.
Protein change: p.Ser861=; no amino-acid change (serine 861 retained).
Molecular consequence: synonymous variant.
Genome position (GRCh38, 1-based): chr1:11,525,282, G>A. VCF-style: chr1-11525282-G-A. GRCh37 (hg19) VCF-style: chr1-11585339-G-A.
Identifiers: ClinVar variation 3057940 (VCV003057940.2), dbSNP rs375072553, ClinGen allele CA592040.

ClinVar aggregate classification (germline): Likely benign (0 of 4 stars; one submission).

Conditions:
DISP3-related disorder. Also called: DISP3-related condition.

Allele frequency attached by ClinVar (database versions not stated): gnomAD 0.00014; ESP Exome Variant Server 0.00016; ExAC 0.00017; TOPMed 0.00023.
gnomAD v4.1: 446 of 1,613,764 alleles (0.028%); highest among the groups gnomAD compares: Admixed American, 0.042%; no homozygotes.

Submission:

PreventionGenetics, part of Exact Sciences
Classification: Likely benign for DISP3-related condition. Last evaluated: 2019-04-25. Review status: no assertion criteria provided. Collection method: clinical testing. Allele origin: germline.
Comment: This variant is classified as likely benign based on ACMG/AMP sequence variant interpretation guidelines (Richards et al. 2015 PMID: 25741868, with internal and published modifications).